The following is an entry in ClinVar:

NM_000089.4(COL1A2):c.3211C>A (p.Pro1071Thr)

Gene: COL1A2 (collagen type I alpha 2 chain; plus strand). Cytogenetic location: 7q21.3.
Variant type: single nucleotide variant.
Coding change: c.3211C>A on transcript NM_000089.4 (MANE Select); coding-DNA position 3211, C replaced by A.
Protein change: p.Pro1071Thr; replaces proline 1071 with threonine.
Molecular consequence: missense variant.
Genome position (GRCh38, 1-based): chr7:94,427,239, C>A. VCF-style: chr7-94427239-C-A. GRCh37 (hg19) VCF-style: chr7-94056551-C-A.
Other names: short protein forms P1071T.
Identifiers: ClinVar variation 360967 (VCV000360967.15), dbSNP rs886062518, ClinGen allele CA10624410.

ClinVar aggregate classification (germline): Uncertain significance. Review status: criteria provided, multiple submitters, no conflicts (2 of 4 stars). 3 submissions from 2 submitters: Uncertain significance (3). Last evaluated 2022-03-18.

Conditions:
Osteogenesis imperfecta (OI). Identifiers: Orphanet 666, MedGen C0029434, MeSH D010013, MONDO:0019019.
Osteogenesis imperfecta type I (OI1). Also called: Lobstein disease; OI, TYPE I; OSTEOGENESIS IMPERFECTA TARDA; OSTEOGENESIS IMPERFECTA WITH BLUE SCLERAE; Classic Non-deforming Osteogenesis Imperfecta with Blue Sclerae; Osteogenesis imperfecta type 1. Identifiers: Orphanet 216796, Orphanet 666, MedGen C0023931, MONDO:0008146, OMIM 166200. Disease mechanism: loss of function.
Ehlers-Danlos syndrome, classic type, 1 (EDSCL1). Also called: EHLERS-DANLOS SYNDROME, GRAVIS TYPE; EHLERS-DANLOS SYNDROME, SEVERE CLASSIC TYPE; Ehlers-Danlos Syndrome, Classic Type, COL5A1-Related; EDS I; Ehlers-Danlos syndrome, type 1. Identifiers: MedGen C0268335, MONDO:0019567, OMIM 130000.
Ehlers-Danlos syndrome, arthrochalasia type, 2. Also called: EHLERS-DANLOS SYNDROME, TYPE VIIB, AUTOSOMAL DOMINANT. Identifiers: MedGen CN293783, MONDO:0040501, OMIM 617821.

Allele frequency attached by ClinVar (database versions not stated): gnomAD exomes below 0.00001.

Submissions (3):

Labcorp Genetics (formerly Invitae), Labcorp
Classification: Uncertain significance for Osteogenesis imperfecta type I; Ehlers-Danlos syndrome, classic type, 1. Last evaluated: 2022-03-18. Review status: criteria provided, single submitter. Criteria: Invitae Variant Classification Sherloc (09022015). Collection method: clinical testing. Allele origin: germline.
Comment: Advanced modeling of protein sequence and biophysical properties (such as structural, functional, and spatial information, amino acid conservation, physicochemical variation, residue mobility, and thermodynamic stability) performed at Invitae indicates that this missense variant is not expected to disrupt COL1A2 protein function. In summary, the available evidence is currently insufficient to determine the role of this variant in disease. Therefore, it has been classified as a Variant of Uncertain Significance. ClinVar contains an entry for this variant (Variation ID: 360967). This sequence change replaces proline, which is neutral and non-polar, with threonine, which is neutral and polar, at codon 1071 of the COL1A2 protein (p.Pro1071Thr). This variant is not present in population databases (gnomAD no frequency). This variant has not been reported in the literature in individuals affected with COL1A2-related conditions.

Illumina Laboratory Services, Illumina
Classification: Uncertain significance for Osteogenesis imperfecta. Last evaluated: 2018-01-13. Review status: criteria provided, single submitter. Criteria: ICSL Variant Classification Criteria 13 December 2019. Collection method: clinical testing. Allele origin: germline.

Illumina Laboratory Services, Illumina
Classification: Uncertain significance for Ehlers-Danlos syndrome, arthrochalasia type, 2. Last evaluated: 2018-01-13. Review status: criteria provided, single submitter. Criteria: ICSL Variant Classification Criteria 13 December 2019. Collection method: clinical testing. Allele origin: germline.